The following is an entry in ClinVar:

ClinVar aggregate classification (germline): Uncertain significance (1 of 4 stars; one submission).

Conditions:
Familial cancer of breast. Also called: BREAST CANCER, FAMILIAL; Hereditary breast cancer; hereditary breast carcinoma. Identifiers: Orphanet 227535, MedGen C0346153, MONDO:0016419, OMIM 114480. Disease mechanism: loss of function.

Submission:

Labcorp Genetics (formerly Invitae), Labcorp
Classification: Uncertain significance for Familial cancer of breast. Last evaluated: 2023-06-23. Review status: criteria provided, single submitter. Criteria: Invitae Variant Classification Sherloc (09022015). Collection method: clinical testing. Allele origin: germline.
Comment: This sequence change replaces serine, which is neutral and polar, with leucine, which is neutral and non-polar, at codon 364 of the BARD1 protein (p.Ser364Leu). This variant is not present in population databases (gnomAD no frequency). This variant has not been reported in the literature in individuals affected with BARD1-related conditions. ClinVar contains an entry for this variant (Variation ID: 1054939). Algorithms developed to predict the effect of missense changes on protein structure and function output the following: SIFT: "Not Available"; PolyPhen-2: "Benign"; Align-GVGD: "Not Available". The leucine amino acid residue is found in multiple mammalian species, which suggests that this missense change does not adversely affect protein function. In summary, the available evidence is currently insufficient to determine the role of this variant in disease. Therefore, it has been classified as a Variant of Uncertain Significance.

NM_000465.4(BARD1):c.1091C>T (p.Ser364Leu)

Gene: BARD1 (BRCA1 associated RING domain 1; minus strand). Cytogenetic location: 2q35.
Variant type: single nucleotide variant.
Coding change: c.1091C>T on transcript NM_000465.4 (MANE Select); coding-DNA position 1091, C replaced by T.
Protein change: p.Ser364Leu; replaces serine 364 with leucine.
Molecular consequence: missense variant. On other transcripts: non-coding transcript variant (2), intron variant (3).
Genome position (GRCh38, 1-based): chr2:214,780,783, G>A on the plus strand (C>T on the coding strand, the complement: BARD1 is on the minus strand). VCF-style: chr2-214780783-G-A. GRCh37 (hg19) VCF-style: chr2-215645507-G-A.
Other names: c.159-28228C>T (NM_001282548.2); c.215+16278C>T (NM_001282545.2); c.364+11514C>T (NM_001282549.2); c.1034C>T, p.Ser345Leu (NM_001282543.2); short protein forms S345L, S364L.
Identifiers: ClinVar variation 1054939 (VCV001054939.10), dbSNP rs200168806, ClinGen allele CA64788192.